The following is an entry in ClinVar:

ClinVar aggregate classification (germline): Uncertain significance (1 of 4 stars; one submission).

Conditions:
Contractures, pterygia, and spondylocarpotarsal fusion syndrome 1A (CPSFS1A). Also called: Contractures, pterygia, and variable skeletal fusions syndrome 1A; MULTIPLE PTERYGIUM SYNDROME, AUTOSOMAL DOMINANT; Distal arthrogryposis type 8. Identifiers: Orphanet 65743, MedGen C1867440, MONDO:0008338, OMIM 178110.
Freeman-Sheldon syndrome (DA2A). Also called: WHISTLING FACE-WINDMILL VANE HAND SYNDROME; CRANIOCARPOTARSAL DYSPLASIA; CRANIOCARPOTARSAL DYSTROPHY; Arthrogryposis, distal, type 2A (Freeman-Sheldon). Identifiers: Orphanet 2053, MedGen C0265224, MONDO:0008675, OMIM 193700.
Arthrogryposis, distal, type 2B3. Also called: Arthrogryposis, distal, type 2B3 (Sheldon-Hall). Identifiers: MedGen C5193098, MONDO:0032751, OMIM 618436.
Contractures, pterygia, and variable skeletal fusions syndrome 1B. Also called: CONTRACTURES, PTERYGIA, AND SPONDYLOCARPOTARSAL FUSION SYNDROME 1B. Identifiers: MedGen C5193114, MONDO:0020746, OMIM 618469.

Submission:

Juno Genomics, Hangzhou Juno Genomics, Inc
Classification: Uncertain significance for Freeman-Sheldon syndrome; Arthrogryposis, distal, type 2B3; Contractures, pterygia, and spondylocarpotarsal fusion syndrome 1A; Contractures, pterygia, and variable skeletal fusions syndrome 1B. Review status: criteria provided, single submitter. Criteria: ACMG Guidelines, 2015. Collection method: clinical testing. Allele origin: germline. Affected: yes.
Comment: Absent from controls (or at extremely low frequency if recessive) in Genome Aggregation Database, Exome Sequencing Project, 1000 Genomes Project, or Exome Aggregation Consortium.;Null variant in a gene where loss of function (LOF) is a known mechanism of disease.;Patient's phenotype or family history is highly specific for a disease with a single genetic etiology.

NM_002470.4(MYH3):c.204+1G>A

Gene: MYH3 (myosin heavy chain 3; minus strand). Cytogenetic location: 17p13.1.
Variant type: single nucleotide variant.
Coding change: c.204+1G>A on transcript NM_002470.4 (MANE Select); the canonical splice donor site of the intron after coding-DNA position 204, G replaced by A.
Molecular consequence: splice donor variant.
Genome position (GRCh38, 1-based): chr17:10,654,860, C>T on the plus strand (G>A on the coding strand, the complement: MYH3 is on the minus strand). VCF-style: chr17-10654860-C-T. GRCh37 (hg19) VCF-style: chr17-10558177-C-T.
Identifiers: ClinVar variation 3382472 (VCV003382472.2).